The following is an entry in ClinVar:

ClinVar aggregate classification (germline): Uncertain significance (1 of 4 stars; one submission).

Conditions:
Nephronophthisis 15 (NPHP15). Identifiers: Orphanet 3156, MedGen C3541853, MONDO:0013917, OMIM 614845.

Allele frequency attached by ClinVar (database versions not stated): gnomAD 0.00001; TOPMed 0.00002.
gnomAD v4.1: 13 of 1,599,288 alleles (0.00081%); highest among the groups gnomAD compares: Admixed American, 0.0034%; no homozygotes.

Submission:

Labcorp Genetics (formerly Invitae), Labcorp
Classification: Uncertain significance for Nephronophthisis 15. Last evaluated: 2024-10-08. Review status: criteria provided, single submitter. Criteria: Invitae Variant Classification Sherloc (09022015). Collection method: clinical testing. Allele origin: germline.
Comment: This sequence change replaces serine, which is neutral and polar, with leucine, which is neutral and non-polar, at codon 1177 of the CEP164 protein (p.Ser1177Leu). The frequency data for this variant in the population databases is considered unreliable, as metrics indicate poor data quality at this position in the gnomAD database. This variant has not been reported in the literature in individuals affected with CEP164-related conditions. ClinVar contains an entry for this variant (Variation ID: 2158056). Invitae Evidence Modeling of protein sequence and biophysical properties (such as structural, functional, and spatial information, amino acid conservation, physicochemical variation, residue mobility, and thermodynamic stability) indicates that this missense variant is not expected to disrupt CEP164 protein function with a negative predictive value of 80%. In summary, the available evidence is currently insufficient to determine the role of this variant in disease. Therefore, it has been classified as a Variant of Uncertain Significance.

NM_014956.5(CEP164):c.3530C>T (p.Ser1177Leu)

Gene: CEP164 (centrosomal protein 164; plus strand). Cytogenetic location: 11q23.3.
Variant type: single nucleotide variant.
Coding change: c.3530C>T on transcript NM_014956.5 (MANE Select); coding-DNA position 3530, C replaced by T.
Protein change: p.Ser1177Leu; replaces serine 1177 with leucine.
Molecular consequence: missense variant.
Genome position (GRCh38, 1-based): chr11:117,407,953, C>T. VCF-style: chr11-117407953-C-T. GRCh37 (hg19) VCF-style: chr11-117278669-C-T.
Other names: c.3539C>T, p.Ser1180Leu (NM_001271933.2); short protein forms S1180L, S1177L.
Identifiers: ClinVar variation 2158056 (VCV002158056.3), dbSNP rs918529207, ClinGen allele CA229373131.
Genomic context (GRCh38, chr11:117,407,953, plus strand): 5'-TCATTTCTCCTCTGTTTTCTCCTTGGCTGCAGGAGACCAGGCACCTGGATGAGATGAAGT[C>T]GGCCATGCGGAAAGGCCACAACCTGCTGAAGAAGAAAGAGGAGAAGCTGAATCAGTTGGA-3'
Protein context (NP_055771.4, residues 1167-1187): KETRHLDEMK[Ser1177Leu]AMRKGHNLLK